The following is an entry in ClinVar:

NM_012301.4(MAGI2):c.2958G>A (p.Met986Ile)

Gene: MAGI2 (membrane associated guanylate kinase, WW and PDZ domain containing 2; minus strand). Cytogenetic location: 7q21.11.
Variant type: single nucleotide variant.
Coding change: c.2958G>A on transcript NM_012301.4 (MANE Select); coding-DNA position 2958, G replaced by A.
Protein change: p.Met986Ile; replaces methionine 986 with isoleucine.
Molecular consequence: missense variant.
Genome position (GRCh38, 1-based): chr7:78,135,094, C>T on the plus strand (G>A on the coding strand, the complement: MAGI2 is on the minus strand). VCF-style: chr7-78135094-C-T. GRCh37 (hg19) VCF-style: chr7-77764411-C-T.
Other names: c.2916G>A, p.Met972Ile (NM_001301128.2); short protein forms M972I, M986I.
Identifiers: ClinVar variation 4985838 (VCV004985838.1).

ClinVar aggregate classification (germline): Uncertain significance (1 of 4 stars; one submission).

Conditions:
MAGI2-related disorder. Also called: MAGI2-related condition.

gnomAD v4.1: 80 of 1,614,012 alleles (0.005%); highest among the groups gnomAD compares: South Asian, 0.088%; 1 homozygote.

Submission:

PreventionGenetics, part of Exact Sciences
Classification: Uncertain significance for MAGI2-related condition. Last evaluated: 2025-10-20. Review status: criteria provided, single submitter. Criteria: ACMG Guidelines, 2015. Collection method: clinical testing. Allele origin: germline.
Comment: The MAGI2 c.2958G>A variant is predicted to result in the amino acid substitution p.Met986Ile. To our knowledge, this variant has not been reported in the literature. This variant is reported in 0.091% of alleles in individuals of South Asian descent in gnomAD. Although we suspect that this variant may be benign, at this time, the clinical significance of this variant is uncertain due to the absence of conclusive functional and genetic evidence.